The following is an entry in ClinVar:

ClinVar aggregate classification (germline): Uncertain significance. Review status: criteria provided, multiple submitters, no conflicts (2 of 4 stars). 3 submissions from 3 submitters: Uncertain significance (3). Last evaluated 2021-06-29.

Conditions:
ALG12-congenital disorder of glycosylation (CDG1G). Also called: ALG12-CDG; Congenital disorder of glycosylation, type Ig; CDG Ig. Identifiers: Orphanet 79324, MedGen C2931001, MONDO:0011783, OMIM 607143.

Allele frequency attached by ClinVar (database versions not stated): gnomAD 0.00002; TOPMed 0.00002.
gnomAD v4.1: 4 of 1,601,258 alleles (0.00025%); highest among the groups gnomAD compares: African/African-American, 0.004%; no homozygotes.

Submissions (3):

Labcorp Genetics (formerly Invitae), Labcorp
Classification: Uncertain significance for ALG12-congenital disorder of glycosylation. Last evaluated: 2021-06-29. Review status: criteria provided, single submitter. Criteria: Invitae Variant Classification Sherloc (09022015). Collection method: clinical testing. Allele origin: germline.
Comment: This sequence change falls in intron 4 of the ALG12 gene. It does not directly change the encoded amino acid sequence of the ALG12 protein. It affects a nucleotide within the consensus splice site of the intron. This variant is present in population databases (rs751546611, ExAC 0.02%). This variant has not been reported in the literature in individuals with ALG12-related conditions. ClinVar contains an entry for this variant (Variation ID: 1172555). Nucleotide substitutions within the consensus splice site are a relatively common cause of aberrant splicing (PMID: 17576681, 9536098). Algorithms developed to predict the effect of sequence changes on RNA splicing suggest that this variant may disrupt the consensus splice site, but this prediction has not been confirmed by published transcriptional studies. In summary, the available evidence is currently insufficient to determine the role of this variant in disease. Therefore, it has been classified as a Variant of Uncertain Significance.

HudsonAlpha Institute for Biotechnology
Classification: Uncertain significance for ALG12-congenital disorder of glycosylation. Last evaluated: 2021-05-26. Review status: criteria provided, single submitter. Criteria: ACMG Guidelines, 2015. Collection method: research. Allele origin: unknown. Observed: 1 variant allele. Study: CSER-SouthSeq.
Comment: ACMG codes:PM2

Revvity Omics, Revvity
Classification: Uncertain significance for ALG12-congenital disorder of glycosylation. Last evaluated: 2021-04-20. Review status: criteria provided, single submitter. Criteria: ACMG Guidelines, 2015. Collection method: clinical testing. Allele origin: germline.

Literature cited by the submitters: PubMed 17576681 (cited by Labcorp Genetics (formerly Invitae), Labcorp); PubMed 9536098 (cited by Labcorp Genetics (formerly Invitae), Labcorp).

NM_024105.4(ALG12):c.470-3C>T

Gene: ALG12 (ALG12 alpha-1,6-mannosyltransferase; minus strand). Cytogenetic location: 22q13.33.
Variant type: single nucleotide variant.
Coding change: c.470-3C>T on transcript NM_024105.4 (MANE Select); 3 bases into the intron before coding-DNA position 470, C replaced by T.
Molecular consequence: intron variant.
Genome position (GRCh38, 1-based): chr22:49,910,091, G>A on the plus strand (C>T on the coding strand, the complement: ALG12 is on the minus strand). VCF-style: chr22-49910091-G-A. GRCh37 (hg19) VCF-style: chr22-50303739-G-A.
Identifiers: ClinVar variation 1172555 (VCV001172555.6), dbSNP rs751546611, ClinGen allele CA10300591.